The following is an entry in ClinVar:

NM_020738.4(KIDINS220):c.733A>G (p.Lys245Glu)

Gene: KIDINS220 (kinase D interacting substrate 220; minus strand). Cytogenetic location: 2p25.1.
Variant type: single nucleotide variant.
Coding change: c.733A>G on transcript NM_020738.4 (MANE Select); coding-DNA position 733, A replaced by G.
Protein change: p.Lys245Glu; replaces lysine 245 with glutamic acid.
Molecular consequence: missense variant. On other transcripts: non-coding transcript variant (2).
Genome position (GRCh38, 1-based): chr2:8,802,998, T>C on the plus strand (A>G on the coding strand, the complement: KIDINS220 is on the minus strand). VCF-style: chr2-8802998-T-C. GRCh37 (hg19) VCF-style: chr2-8943128-T-C.
Other names: c.736A>G, p.Lys246Glu (NM_001348739.2, NM_001348740.2, NM_001348745.2 and 3 more transcripts); c.733A>G, p.Lys245Glu (NM_001348741.2, NM_001348742.2, NM_001348743.2 and 3 more transcripts); c.607A>G, p.Lys203Glu (NM_001348736.2); short protein forms K203E, K245E, K246E.
Identifiers: ClinVar variation 2112483 (VCV002112483.4), dbSNP rs2528160747, ClinGen allele CA345772938.

ClinVar aggregate classification (germline): Uncertain significance (1 of 4 stars; one submission).

Submission:

Labcorp Genetics (formerly Invitae), Labcorp
Classification: Uncertain significance. Last evaluated: 2024-01-08. Review status: criteria provided, single submitter. Criteria: Invitae Variant Classification Sherloc (09022015). Collection method: clinical testing. Allele origin: germline.
Comment: This sequence change replaces lysine, which is basic and polar, with glutamic acid, which is acidic and polar, at codon 245 of the KIDINS220 protein (p.Lys245Glu). This variant is not present in population databases (gnomAD no frequency). This variant has not been reported in the literature in individuals affected with KIDINS220-related conditions. ClinVar contains an entry for this variant (Variation ID: 2112483). An algorithm developed to predict the effect of missense changes on protein structure and function (PolyPhen-2) suggests that this variant is likely to be disruptive. In summary, the available evidence is currently insufficient to determine the role of this variant in disease. Therefore, it has been classified as a Variant of Uncertain Significance.